The following is an entry in ClinVar:

NM_001036.6(RYR3):c.13027G>A (p.Glu4343Lys)

Gene: RYR3 (ryanodine receptor 3; plus strand). Cytogenetic location: 15q14.
Variant type: single nucleotide variant.
Coding change: c.13027G>A on transcript NM_001036.6 (MANE Select); coding-DNA position 13027, G replaced by A.
Protein change: p.Glu4343Lys; replaces glutamic acid 4343 with lysine.
Molecular consequence: missense variant.
Genome position (GRCh38, 1-based): chr15:33,840,873, G>A. VCF-style: chr15-33840873-G-A. GRCh37 (hg19) VCF-style: chr15-34133074-G-A.
Other names: c.13012G>A, p.Glu4338Lys (NM_001243996.4); short protein forms E4338K, E4343K.
Identifiers: ClinVar variation 1025851 (VCV001025851.8), dbSNP rs371107228, ClinGen allele CA7461526.

ClinVar aggregate classification (germline): Uncertain significance (1 of 4 stars; one submission).

Conditions:
Epileptic encephalopathy. Identifiers: MedGen C0543888, HP:0200134.

Allele frequency attached by ClinVar (database versions not stated): gnomAD 0.00001; gnomAD exomes 0.00002; ExAC 0.00003; TOPMed 0.00003; ESP Exome Variant Server 0.00008.
gnomAD v4.1: 18 of 1,613,662 alleles (0.0011%); highest among the groups gnomAD compares: Admixed American, 0.0067%; no homozygotes.

Submission:

Labcorp Genetics (formerly Invitae), Labcorp
Classification: Uncertain significance for Epileptic encephalopathy. Last evaluated: 2021-06-09. Review status: criteria provided, single submitter. Criteria: Invitae Variant Classification Sherloc (09022015). Collection method: clinical testing. Allele origin: germline.
Comment: This sequence change replaces glutamic acid with lysine at codon 4343 of the RYR3 protein (p.Glu4343Lys). The glutamic acid residue is moderately conserved and there is a small physicochemical difference between glutamic acid and lysine. This variant is present in population databases (rs371107228, ExAC 0.02%). This variant has not been reported in the literature in individuals with RYR3-related conditions. Algorithms developed to predict the effect of missense changes on protein structure and function (SIFT, PolyPhen-2, Align-GVGD) all suggest that this variant is likely to be tolerated, but these predictions have not been confirmed by published functional studies and their clinical significance is uncertain. In summary, the available evidence is currently insufficient to determine the role of this variant in disease. Therefore, it has been classified as a Variant of Uncertain Significance.